The following is an entry in ClinVar:

ClinVar aggregate classification (germline): Uncertain significance (1 of 4 stars; one submission).

Conditions:
Inborn genetic diseases. Identifiers: MedGen C0950123, MeSH D030342.

Submission:

Ambry Genetics
Classification: Uncertain significance for Inborn genetic diseases. Last evaluated: 2025-02-14. Review status: criteria provided, single submitter. Criteria: Ambry Variant Classification Scheme 2023. Collection method: clinical testing. Allele origin: germline.
Comment: The p.C537R variant (also known as c.1609T>C), located in coding exon 18 of the RTEL1 gene, results from a T to C substitution at nucleotide position 1609. The cysteine at codon 537 is replaced by arginine, an amino acid with highly dissimilar properties. This amino acid position is conserved. In addition, the in silico prediction for this alteration is inconclusive. Based on the available evidence, the clinical significance of this variant remains unclear.

NM_001283009.2(RTEL1):c.1609T>C (p.Cys537Arg)

Genes: RTEL1 (regulator of telomere elongation helicase 1; plus strand), RTEL1-TNFRSF6B (RTEL1-TNFRSF6B readthrough (NMD candidate); plus strand). Cytogenetic location: 20q13.33.
Variant type: single nucleotide variant.
Coding change: c.1609T>C on transcript NM_001283009.2 (MANE Select); coding-DNA position 1609, T replaced by C.
Protein change: p.Cys537Arg; replaces cysteine 537 with arginine.
Molecular consequence: missense variant. On other transcripts: non-coding transcript variant (1).
Genome position (GRCh38, 1-based): chr20:63,688,152, T>C. VCF-style: chr20-63688152-T-C. GRCh37 (hg19) VCF-style: chr20-62319505-T-C.
Other names: c.940T>C, p.Cys314Arg (NM_001283010.1); c.1609T>C, p.Cys537Arg (NM_016434.4); c.1681T>C, p.Cys561Arg (NM_032957.5); short protein forms C314R, C561R, C537R.
Identifiers: ClinVar variation 3791153 (VCV003791153.1).